The following is an entry in ClinVar:

NM_007126.5(VCP):c.812-6T>G

Gene: VCP (valosin containing protein; minus strand). Cytogenetic location: 9p13.3.
Variant type: single nucleotide variant.
Coding change: c.812-6T>G on transcript NM_007126.5 (MANE Select); 6 bases into the intron before coding-DNA position 812, T replaced by G.
Molecular consequence: intron variant.
Genome position (GRCh38, 1-based): chr9:35,062,356, A>C on the plus strand (T>G on the coding strand, the complement: VCP is on the minus strand). VCF-style: chr9-35062356-A-C. GRCh37 (hg19) VCF-style: chr9-35062353-A-C.
Other names: c.677-6T>G (NM_001354927.2, NM_001354928.2).
Identifiers: ClinVar variation 1762102 (VCV001762102.2), dbSNP rs1828742657, ClinGen allele CA1845836114.

ClinVar aggregate classification (germline): Uncertain significance (1 of 4 stars; one submission).

Conditions:
Inborn genetic diseases. Identifiers: MedGen C0950123, MeSH D030342.

Allele frequency attached by ClinVar (database versions not stated): gnomAD exomes below 0.00001; TOPMed below 0.00001.
gnomAD v4.1: 1 of 1,614,118 alleles (0.000062%); highest among the groups gnomAD compares: African/African-American, 0.0013%; no homozygotes.

Submission:

Ambry Genetics
Classification: Uncertain significance for Inborn genetic diseases. Last evaluated: 2020-11-13. Review status: criteria provided, single submitter. Criteria: Ambry Variant Classification Scheme 2023. Collection method: clinical testing. Allele origin: germline.
Comment: The c.812-6T>G intronic variant results from a T to G substitution 6 nucleotides upstream from coding exon 8 in the VCP gene. This nucleotide position is not well conserved in available vertebrate species. In silico splice site analysis predicts that this alteration will not have any significant effect on splicing. Since supporting evidence is limited at this time, the clinical significance of this alteration remains unclear.